The following is an entry in ClinVar:

ClinVar aggregate classification (germline): Uncertain significance (1 of 4 stars; one submission).

Allele frequency attached by ClinVar (database versions not stated): gnomAD exomes below 0.00001.
gnomAD v4.1: 4 of 1,614,022 alleles (0.00025%); highest among the groups gnomAD compares: East Asian, 0.0022%; no homozygotes.

Submission:

Labcorp Genetics (formerly Invitae), Labcorp
Classification: Uncertain significance. Last evaluated: 2025-04-16. Review status: criteria provided, single submitter. Criteria: Invitae Variant Classification Sherloc (09022015). Collection method: clinical testing. Allele origin: germline.
Comment: This sequence change replaces alanine, which is neutral and non-polar, with valine, which is neutral and non-polar, at codon 1040 of the ADGRA3 protein (p.Ala1040Val). This variant is not present in population databases (gnomAD no frequency). This variant has not been reported in the literature in individuals affected with ADGRA3-related conditions. ClinVar contains an entry for this variant (Variation ID: 1421407). An algorithm developed to predict the effect of missense changes on protein structure and function (PolyPhen-2) suggests that this variant is likely to be disruptive. In summary, the available evidence is currently insufficient to determine the role of this variant in disease. Therefore, it has been classified as a Variant of Uncertain Significance.

NM_145290.4(ADGRA3):c.3119C>T (p.Ala1040Val)

Gene: ADGRA3 (adhesion G protein-coupled receptor A3; minus strand). Cytogenetic location: 4p15.2.
Variant type: single nucleotide variant.
Coding change: c.3119C>T on transcript NM_145290.4 (MANE Select); coding-DNA position 3119, C replaced by T.
Protein change: p.Ala1040Val; replaces alanine 1040 with valine.
Molecular consequence: missense variant.
Genome position (GRCh38, 1-based): chr4:22,388,552, G>A on the plus strand (C>T on the coding strand, the complement: ADGRA3 is on the minus strand). VCF-style: chr4-22388552-G-A. GRCh37 (hg19) VCF-style: chr4-22390175-G-A.
Other names: short protein forms A1040V.
Identifiers: ClinVar variation 1421407 (VCV001421407.6), dbSNP rs1560291043, ClinGen allele CA356473632.